The following is an entry in ClinVar:

NM_032861.4(SERAC1):c.1231C>T (p.Arg411Cys)

Gene: SERAC1 (serine active site containing 1; minus strand). Cytogenetic location: 6q25.3.
Variant type: single nucleotide variant.
Coding change: c.1231C>T on transcript NM_032861.4 (MANE Select); coding-DNA position 1231, C replaced by T.
Protein change: p.Arg411Cys; replaces arginine 411 with cysteine.
Molecular consequence: missense variant. On other transcripts: non-coding transcript variant (1).
Genome position (GRCh38, 1-based): chr6:158,119,106, G>A on the plus strand (C>T on the coding strand, the complement: SERAC1 is on the minus strand). VCF-style: chr6-158119106-G-A. GRCh37 (hg19) VCF-style: chr6-158540138-G-A.
Other names: short protein forms R411C.
Identifiers: ClinVar variation 2504709 (VCV002504709.2), dbSNP rs1167473358, ClinGen allele CA366257707.

ClinVar aggregate classification (germline): Uncertain significance. Review status: criteria provided, multiple submitters, no conflicts (2 of 4 stars). 2 submissions from 2 submitters: Uncertain significance (2). Last evaluated 2025-06-07.

Conditions:
Inborn genetic diseases. Identifiers: MedGen C0950123, MeSH D030342.

Allele frequency attached by ClinVar (database versions not stated): gnomAD exomes 0.00001.
gnomAD v4.1: 5 of 1,613,628 alleles (0.00031%); highest among the groups gnomAD compares: Admixed American, 0.005%; no homozygotes.

Submissions (2):

Ambry Genetics
Classification: Uncertain significance for Inborn genetic diseases. Last evaluated: 2025-06-07. Review status: criteria provided, single submitter. Criteria: Ambry Variant Classification Scheme 2023. Collection method: clinical testing. Allele origin: germline.

GeneDx
Classification: Uncertain significance. Last evaluated: 2022-12-07. Review status: criteria provided, single submitter. Criteria: GeneDx Variant Classification Process June 2021. Collection method: clinical testing. Allele origin: germline. Affected: yes.
Comment: Not observed at significant frequency in large population cohorts (gnomAD); In silico analysis supports that this missense variant has a deleterious effect on protein structure/function; Has not been previously published as pathogenic or benign to our knowledge